The following is an entry in ClinVar:

ClinVar aggregate classification (germline): Likely benign. Review status: criteria provided, multiple submitters, no conflicts (2 of 4 stars). 2 submissions from 2 submitters: Likely benign (2). Last evaluated 2016-02-29.

Conditions:
Hereditary cancer-predisposing syndrome. Also called: Tumor predisposition; Hereditary neoplastic syndrome; Neoplastic Syndromes, Hereditary; Hereditary Cancer Syndrome. Identifiers: Orphanet 140162, MedGen C0027672, MeSH D009386, MONDO:0015356.

Allele frequency attached by ClinVar (database versions not stated): gnomAD exomes below 0.00001.
gnomAD v4.1: 1 of 1,613,764 alleles (0.000062%); highest among the groups gnomAD compares: Non-Finnish European, 0.000085%; no homozygotes.

Submissions (2):

Ambry Genetics
Classification: Likely benign for Hereditary cancer-predisposing syndrome. Last evaluated: 2016-02-29. Review status: criteria provided, single submitter. Criteria: Ambry Variant Classification Scheme 2023. Collection method: clinical testing. Allele origin: germline.

GeneDx
Classification: Likely benign. Last evaluated: 2015-12-11. Review status: criteria provided, single submitter. Criteria: GeneDx Variant Classification (06012015). Collection method: clinical testing. Allele origin: germline. Affected: yes.
Comment: This variant is considered likely benign or benign based on one or more of the following criteria: it is a conservative change, it occurs at a poorly conserved position in the protein, it is predicted to be benign by multiple in silico algorithms, and/or has population frequency not consistent with disease.

NM_000059.4(BRCA2):c.7086G>A (p.Leu2362=)

Gene: BRCA2 (BRCA2 DNA repair associated; plus strand). Cytogenetic location: 13q13.1.
Variant type: single nucleotide variant.
Coding change: c.7086G>A on transcript NM_000059.4 (MANE Select); coding-DNA position 7086, G replaced by A.
Protein change: p.Leu2362=; no amino-acid change (leucine 2362 retained).
Molecular consequence: synonymous variant.
Genome position (GRCh38, 1-based): chr13:32,354,939, G>A. VCF-style: chr13-32354939-G-A. GRCh37 (hg19) VCF-style: chr13-32929076-G-A.
Identifiers: ClinVar variation 382252 (VCV000382252.5), dbSNP rs1057521297, ClinGen allele CA16606696.